The following is an entry in ClinVar:

NM_173628.4(DNAH17):c.177C>T (p.Ala59=)

Gene: DNAH17 (dynein axonemal heavy chain 17; minus strand). Cytogenetic location: 17q25.3.
Variant type: single nucleotide variant.
Coding change: c.177C>T on transcript NM_173628.4 (MANE Select); coding-DNA position 177, C replaced by T.
Protein change: p.Ala59=; no amino-acid change (alanine 59 retained).
Molecular consequence: synonymous variant.
Genome position (GRCh38, 1-based): chr17:78,574,881, G>A on the plus strand (C>T on the coding strand, the complement: DNAH17 is on the minus strand). VCF-style: chr17-78574881-G-A. GRCh37 (hg19) VCF-style: chr17-76570963-G-A.
Identifiers: ClinVar variation 3045886 (VCV003045886.2), dbSNP rs369983580, ClinGen allele CA8805756.
Genomic context (GRCh38, chr17:78,574,881, plus strand): 5'-GAAGTAAACCCCTTTGGACTTGAGGGACTGGGGGAAGCCCAGGCAGGGTATGATCATGCC[G>A]GCTGCATTGAGCGTCAGCACCAGCACCTGGACGTCGGGCTTTTCAAAGAACTCTGTGAAC-3'
Protein context (NP_775899.3, residues 49-69): VQVLVLTLNA[Ala59=]GMIIPCLGFP

ClinVar aggregate classification (germline): Likely benign (0 of 4 stars; one submission).

Conditions:
DNAH17-related disorder. Also called: DNAH17-related condition.

Allele frequency attached by ClinVar (database versions not stated): ExAC 0.00014; TOPMed 0.00016; gnomAD 0.00018; ESP Exome Variant Server 0.00032.
gnomAD v4.1: 292 of 1,613,892 alleles (0.018%); highest among the groups gnomAD compares: Non-Finnish European, 0.023%; no homozygotes.

Submission:

PreventionGenetics, part of Exact Sciences
Classification: Likely benign for DNAH17-related condition. Last evaluated: 2019-11-07. Review status: no assertion criteria provided. Collection method: clinical testing. Allele origin: germline.
Comment: This variant is classified as likely benign based on ACMG/AMP sequence variant interpretation guidelines (Richards et al. 2015 PMID: 25741868, with internal and published modifications).